The following is an entry in ClinVar:

ClinVar aggregate classification (germline): Uncertain significance (1 of 4 stars; one submission).

Submission:

GeneDx
Classification: Uncertain significance. Last evaluated: 2023-05-19. Review status: criteria provided, single submitter. Criteria: GeneDx Variant Classification Process June 2021. Collection method: clinical testing. Allele origin: germline. Affected: yes.
Comment: Not observed at significant frequency in large population cohorts (gnomAD); In silico analysis supports that this missense variant has a deleterious effect on protein structure/function; Has not been previously published as pathogenic or benign to our knowledge

NM_022552.5(DNMT3A):c.163C>T (p.Arg55Cys)

Gene: DNMT3A (DNA methyltransferase 3 alpha; minus strand). Cytogenetic location: 2p23.3.
Variant type: single nucleotide variant.
Coding change: c.163C>T on transcript NM_022552.5 (MANE Select); coding-DNA position 163, C replaced by T.
Protein change: p.Arg55Cys; replaces arginine 55 with cysteine.
Molecular consequence: missense variant. On other transcripts: non-coding transcript variant (1).
Genome position (GRCh38, 1-based): chr2:25,300,153, G>A on the plus strand (C>T on the coding strand, the complement: DNMT3A is on the minus strand). VCF-style: chr2-25300153-G-A. GRCh37 (hg19) VCF-style: chr2-25523022-G-A.
Other names: c.163C>T, p.Arg55Cys (NM_001320892.2, NM_175629.2, NM_175630.1); short protein forms R55C.
Identifiers: ClinVar variation 2662391 (VCV002662391.1), dbSNP rs2149405082, ClinGen allele CA346251600.